The following is an entry in ClinVar:

ClinVar aggregate classification (germline): Uncertain significance (1 of 4 stars; one submission).

Conditions:
Spondyloenchondrodysplasia with immune dysregulation (SPENCDI). Also called: SPONDYLOENCHONDRODYSPLASIA WITH OR WITHOUT IMMUNE DYSREGULATION; ROIFMAN IMMUNOSKELETAL SYNDROME; COMBINED IMMUNODEFICIENCY WITH AUTOIMMUNITY AND SPONDYLOMETAPHYSEAL DYSPLASIA. Identifiers: Orphanet 1855, MedGen C1842763, MONDO:0011939, OMIM 607944.

Allele frequency attached by ClinVar (database versions not stated): ExAC 0.00001; ESP Exome Variant Server 0.00008; gnomAD exomes below 0.00001.

Submission:

Baylor Genetics
Classification: Uncertain significance for Spondyloenchondrodysplasia with immune dysregulation. Last evaluated: 2018-01-05. Review status: criteria provided, single submitter. Criteria: ACMG Guidelines, 2015. Collection method: clinical testing. Allele origin: maternal. Affected: yes.
Comment: This variant was determined to be of uncertain significance according to ACMG Guidelines, 2015 [PMID:25741868].

NM_001611.5(ACP5):c.682C>G (p.Leu228Val)

Gene: ACP5 (acid phosphatase 5, tartrate resistant; minus strand). Cytogenetic location: 19p13.2.
Variant type: single nucleotide variant.
Coding change: c.682C>G on transcript NM_001611.5 (MANE Select); coding-DNA position 682, C replaced by G.
Protein change: p.Leu228Val; replaces leucine 228 with valine.
Molecular consequence: missense variant.
Genome position (GRCh38, 1-based): chr19:11,576,296, G>C on the plus strand (C>G on the coding strand, the complement: ACP5 is on the minus strand). VCF-style: chr19-11576296-G-C. GRCh37 (hg19) VCF-style: chr19-11687111-G-C.
Other names: c.682C>G, p.Leu228Val (NM_001111034.3, NM_001111035.3, NM_001111036.3 and 1 more transcripts); short protein forms L228V.
Identifiers: ClinVar variation 1032631 (VCV001032631.1), dbSNP rs142623076, ClinGen allele CA9215357.